The following is an entry in ClinVar:

ClinVar aggregate classification (germline): Pathogenic (1 of 4 stars; one submission).

Conditions:
Breast-ovarian cancer, familial, susceptibility to, 1 (BROVCA1). Also called: BRCA1 Hereditary Breast and Ovarian Cancer; OVARIAN CANCER, SUSCEPTIBILITY TO. Identifiers: Orphanet 145, MedGen C2676676, MONDO:0011450, OMIM 604370. Disease mechanism: loss of function.

Submission:

Myriad Genetics, Inc.
Classification: Pathogenic for Breast-ovarian cancer, familial, susceptibility to, 1. Last evaluated: 2025-08-12. Review status: criteria provided, single submitter. Criteria: Myriad Autosomal Dominant, Autosomal Recessive and X-Linked Classification Criteria (2023). Collection method: clinical testing. Allele origin: unknown.
Comment: This variant is considered pathogenic. This variant creates a frameshift predicted to result in premature protein truncation.

NM_007294.4(BRCA1):c.2308dup (p.Ser770fs)

Gene: BRCA1 (BRCA1 DNA repair associated; minus strand). Cytogenetic location: 17q21.31.
Variant type: Duplication.
Coding change: c.2308dup on transcript NM_007294.4 (MANE Select); coding-DNA position 2308, one base duplicated (T; older notation c.2308dupT).
Protein change: p.Ser770fs; shifts the reading frame from serine 770.
Molecular consequence: frameshift variant. On other transcripts: intron variant (137).
Genome position (GRCh38, 1-based): chr17:43,093,223, A duplicated on the plus strand (T on the coding strand, the reverse complement: BRCA1 is on the minus strand); the first of 3 consecutive A bases (chr17:43,093,223-43,093,225); duplicating any one gives the same sequence. VCF-style (leftmost placement, unchanged base first): chr17-43093222-G-GA. GRCh37 (hg19) VCF-style: chr17-41245239-G-GA.
Other names: c.2164dup, p.Ser722fs (NM_001407844.1, NM_001407845.1, NM_001407846.1 and 20 more transcripts); c.2167dup, p.Ser723fs (NM_001407850.1, NM_001407851.1, NM_001407852.1 and 29 more transcripts); c.2095dup, p.Ser699fs (NM_001407853.1, NM_001407894.1, NM_001407895.1 and 9 more transcripts); c.2308dup, p.Ser770fs (NM_001407854.1, NM_001407858.1, NM_001407859.1 and 30 more transcripts); c.2305dup, p.Ser769fs (NM_001407860.1, NM_001407861.1, NM_001407644.1 and 22 more transcripts); c.2107dup, p.Ser703fs (NM_001407862.1); c.2185dup, p.Ser729fs (NM_001407863.1, NM_001407648.1, NM_001407680.1 and 19 more transcripts); c.2104dup, p.Ser702fs (NM_001407874.1, NM_001407875.1); and 41 more; short protein forms S474fs, S602fs, S642fs, S643fs, S658fs, S659fs, S681fs, S682fs.
Identifiers: ClinVar variation 4294252 (VCV004294252.1).
Genomic context (GRCh38, chr17:43,093,222, plus strand): 5'-GTGCTAACTTCCAGTAACGAGATACTTTCCTGAGTGCCATAATCAGTACCAGGTACCAAT[G>GA]AAATACTGCTACTCTCTACAGATCTTTCAGTTTGCAAAACCCTTTCTCCACTTAACATGA-3'